The following is an entry in ClinVar:

NM_000059.4(BRCA2):c.9734C>T (p.Ser3245Leu)

Gene: BRCA2 (BRCA2 DNA repair associated; plus strand). Cytogenetic location: 13q13.1.
Variant type: single nucleotide variant.
Coding change: c.9734C>T on transcript NM_000059.4 (MANE Select); coding-DNA position 9734, C replaced by T.
Protein change: p.Ser3245Leu; replaces serine 3245 with leucine.
Molecular consequence: missense variant.
Genome position (GRCh38, 1-based): chr13:32,398,247, C>T. VCF-style: chr13-32398247-C-T. GRCh37 (hg19) VCF-style: chr13-32972384-C-T.
Other names: short protein forms S3245L.
Identifiers: ClinVar variation 849939 (VCV000849939.11), dbSNP rs2073050189, ClinGen allele CA387765540.

ClinVar aggregate classification (germline): Uncertain significance. Review status: criteria provided, multiple submitters, no conflicts (2 of 4 stars). 2 submissions from 2 submitters: Uncertain significance (2). Last evaluated 2024-08-21.

Conditions:
Hereditary breast ovarian cancer syndrome. Also called: Hereditary breast and ovarian cancer syndrome; Breast and ovarian cancer; Hereditary breast and/or ovarian cancer syndrome; Hereditary breast and ovarian cancer; BRCA1- and BRCA2-Associated Hereditary Breast and Ovarian Cancer; Hereditary breast and ovarian cancer syndrome (HBOC). Identifiers: Orphanet 145, MedGen C0677776, MeSH D061325, MONDO:0003582. Disease mechanism: loss of function.
Hereditary cancer-predisposing syndrome. Also called: Tumor predisposition; Neoplastic Syndromes, Hereditary; Hereditary neoplastic syndrome; Hereditary Cancer Syndrome. Identifiers: Orphanet 140162, MedGen C0027672, MeSH D009386, MONDO:0015356.

Submissions (2):

Ambry Genetics
Classification: Uncertain significance for Hereditary cancer-predisposing syndrome. Last evaluated: 2024-08-21. Review status: criteria provided, single submitter. Criteria: Ambry Variant Classification Scheme 2023. Collection method: clinical testing. Allele origin: germline.
Comment: The p.S3245L variant (also known as c.9734C>T), located in coding exon 26 of the BRCA2 gene, results from a C to T substitution at nucleotide position 9734. The serine at codon 3245 is replaced by leucine, an amino acid with dissimilar properties. This amino acid position is well conserved in available vertebrate species. In addition, this alteration is predicted to be tolerated by in silico analysis. Based on the available evidence, the clinical significance of this variant remains unclear.

Labcorp Genetics (formerly Invitae), Labcorp
Classification: Uncertain significance for Hereditary breast ovarian cancer syndrome. Last evaluated: 2022-11-16. Review status: criteria provided, single submitter. Criteria: Invitae Variant Classification Sherloc (09022015). Collection method: clinical testing. Allele origin: germline.
Comment: ClinVar contains an entry for this variant (Variation ID: 849939). This variant has not been reported in the literature in individuals affected with BRCA2-related conditions. This variant is not present in population databases (gnomAD no frequency). This sequence change replaces serine, which is neutral and polar, with leucine, which is neutral and non-polar, at codon 3245 of the BRCA2 protein (p.Ser3245Leu). In summary, the available evidence is currently insufficient to determine the role of this variant in disease. Therefore, it has been classified as a Variant of Uncertain Significance. Advanced modeling of protein sequence and biophysical properties (such as structural, functional, and spatial information, amino acid conservation, physicochemical variation, residue mobility, and thermodynamic stability) performed at Invitae indicates that this missense variant is not expected to disrupt BRCA2 protein function.